The following is an entry in ClinVar:

ClinVar aggregate classification (germline): Uncertain significance. Review status: criteria provided, single submitter (1 of 4 stars). 3 submissions from 3 submitters: Uncertain significance (1). 2 of the submissions do not count toward it. Last evaluated 2015-06-17.

Conditions:
Cardiomyopathy (CMYO). Also called: Cardiomyopathies. Identifiers: Orphanet 167848, MedGen C0878544, MONDO:0004994, HP:0001638. Inheritance: Various modes of inheritance.
Left ventricular noncompaction. Identifiers: Orphanet 54260, MedGen C1960469, MONDO:0018901, HP:0030682.
Floppy infant. Also called: Infantile muscular hypotonia. Identifiers: MedGen C1860834, HP:0008947.
Lethal left ventricular non-compaction-seizures-hypotonia-cataract-developmental delay syndrome. Also called: Combined oxidative phosphorylation deficiency 31. Identifiers: Orphanet 478049, MedGen C4310661, MONDO:0014976, OMIM 617228.

Submissions (3):

Baylor Genetics
Classification: Uncertain significance for Cardiomyopathy; Left ventricular noncompaction; Infantile muscular hypotonia. Last evaluated: 2015-06-17. Review status: criteria provided, single submitter. Criteria: Eldomery et al. (Genome Med. 2016). Collection method: clinical testing. Allele origin: maternal. Inheritance: Autosomal recessive inheritance. Affected: yes. Observed: 1 variant allele, 1 compound heterozygote. Study: MIPEP.

OMIM
Classification: Pathogenic for COMBINED OXIDATIVE PHOSPHORYLATION DEFICIENCY 31. Last evaluated: 2016-12-01. Review status: no assertion criteria provided. Collection method: literature only. Allele origin: germline. Not counted in ClinVar's aggregate classification.

Lupski Lab, Baylor-Hopkins CMG, Baylor College of Medicine
Classification: Pathogenic for Lethal left ventricular non-compaction-seizures-hypotonia-cataract-developmental delay syndrome. Review status: no assertion criteria provided. Collection method: research. Allele origin: germline. Inheritance: Autosomal recessive inheritance. Affected: yes. Not counted in ClinVar's aggregate classification.

Literature cited by the submitters: PubMed 27799064 (cited by OMIM).

NM_005932.4(MIPEP):c.212T>A (p.Leu71Gln)

Gene: MIPEP (mitochondrial intermediate peptidase; minus strand). Cytogenetic location: 13q12.12.
Variant type: single nucleotide variant.
Coding change: c.212T>A on transcript NM_005932.4 (MANE Select); coding-DNA position 212, T replaced by A.
Protein change: p.Leu71Gln; replaces leucine 71 with glutamine.
Molecular consequence: missense variant.
Genome position (GRCh38, 1-based): chr13:23,886,484, A>T on the plus strand (T>A on the coding strand, the complement: MIPEP is on the minus strand). VCF-style: chr13-23886484-A-T. GRCh37 (hg19) VCF-style: chr13-24460623-A-T.
Other names: short protein forms L71Q.
Identifiers: ClinVar variation 208629 (VCV000208629.2), dbSNP rs1057518740, ClinGen allele CA16040609.